The following is an entry in ClinVar:

ClinVar aggregate classification (germline): Uncertain significance (1 of 4 stars; one submission).

Allele frequency attached by ClinVar (database versions not stated): TOPMed below 0.00001; gnomAD exomes 0.00002 and 0.00003; ExAC 0.00004.
gnomAD v4.1: 9 of 1,614,180 alleles (0.00056%); highest among the groups gnomAD compares: Admixed American, 0.015%; no homozygotes.

Submission:

Labcorp Genetics (formerly Invitae), Labcorp
Classification: Uncertain significance. Last evaluated: 2025-11-03. Review status: criteria provided, single submitter. Criteria: Invitae Variant Classification Sherloc (09022015). Collection method: clinical testing. Allele origin: germline.
Comment: This sequence change replaces glutamic acid, which is acidic and polar, with aspartic acid, which is acidic and polar, at codon 83 of the PCDH12 protein (p.Glu83Asp). This variant is present in population databases (rs769440535, gnomAD 0.02%). This variant has not been reported in the literature in individuals affected with PCDH12-related conditions. ClinVar contains an entry for this variant (Variation ID: 1475794). Invitae Evidence Modeling of protein sequence and biophysical properties (such as structural, functional, and spatial information, amino acid conservation, physicochemical variation, residue mobility, and thermodynamic stability) indicates that this missense variant is not expected to disrupt PCDH12 protein function with a negative predictive value of 95%. In summary, the available evidence is currently insufficient to determine the role of this variant in disease. Therefore, it has been classified as a Variant of Uncertain Significance.

NM_016580.4(PCDH12):c.249A>T (p.Glu83Asp)

Genes: PCDH12 (protocadherin 12; minus strand), RNF14 (ring finger protein 14; plus strand). Cytogenetic location: 5q31.3.
Variant type: single nucleotide variant.
Coding change: c.249A>T on transcript NM_016580.4 (MANE Select); coding-DNA position 249, A replaced by T.
Protein change: p.Glu83Asp; replaces glutamic acid 83 with aspartic acid.
Molecular consequence: missense variant.
Genome position (GRCh38, 1-based): chr5:141,957,603, T>A on the plus strand (A>T on the coding strand, the complement: PCDH12 is on the minus strand). VCF-style: chr5-141957603-T-A. GRCh37 (hg19) VCF-style: chr5-141337168-T-A.
Other names: short protein forms E83D.
Identifiers: ClinVar variation 1475794 (VCV001475794.4), dbSNP rs769440535, ClinGen allele CA3484599.